The following is an entry in ClinVar:

ClinVar aggregate classification (germline): Uncertain significance (1 of 4 stars; one submission).

Conditions:
Hereditary cancer-predisposing syndrome. Also called: Tumor predisposition; Hereditary neoplastic syndrome; Neoplastic Syndromes, Hereditary; Hereditary Cancer Syndrome. Identifiers: Orphanet 140162, MedGen C0027672, MeSH D009386, MONDO:0015356.

Submission:

Ambry Genetics
Classification: Uncertain significance for Hereditary cancer-predisposing syndrome. Last evaluated: 2025-06-07. Review status: criteria provided, single submitter. Criteria: Ambry Variant Classification Scheme 2023. Collection method: clinical testing. Allele origin: germline.
Comment: The p.P113A variant (also known as c.337C>G), located in coding exon 4 of the CDC73 gene, results from a C to G substitution at nucleotide position 337. The proline at codon 113 is replaced by alanine, an amino acid with highly similar properties. This amino acid position is conserved. In addition, the in silico prediction for this alteration is inconclusive. Based on the available evidence, the clinical significance of this variant remains unclear.

NM_024529.5(CDC73):c.337C>G (p.Pro113Ala)

Gene: CDC73 (cell division cycle 73; plus strand). Cytogenetic location: 1q31.2.
Variant type: single nucleotide variant.
Coding change: c.337C>G on transcript NM_024529.5 (MANE Select); coding-DNA position 337, C replaced by G.
Protein change: p.Pro113Ala; replaces proline 113 with alanine.
Molecular consequence: missense variant.
Genome position (GRCh38, 1-based): chr1:193,135,420, C>G. VCF-style: chr1-193135420-C-G. GRCh37 (hg19) VCF-style: chr1-193104550-C-G.
Other names: short protein forms P113A.
Identifiers: ClinVar variation 3998693 (VCV003998693.1).
Genomic context (GRCh38, chr1:193,135,420, plus strand): 5'-AATCCTTACGTGAATCTTTTTATGTCTTCAGCAACATCGGCAAGTATAGACAGAAGCGCT[C>G]CCTTAGAAATAGGTCTTCAGCGATCTACTCAAGGTATGTCTTGTTGCATATTTATATTGA-3'
Protein context (NP_078805.3, residues 103-123): STSASIDRSA[Pro113Ala]LEIGLQRSTQ